The following is an entry in ClinVar:

NM_001127671.2(LIFR):c.143-1G>T

Gene: LIFR (LIF receptor subunit alpha; minus strand). Cytogenetic location: 5p13.1.
Variant type: single nucleotide variant.
Coding change: c.143-1G>T on transcript NM_001127671.2 (MANE Select); the canonical splice acceptor site of the intron before coding-DNA position 143, G replaced by T.
Molecular consequence: splice acceptor variant.
Genome position (GRCh38, 1-based): chr5:38,528,841, C>A on the plus strand (G>T on the coding strand, the complement: LIFR is on the minus strand). VCF-style: chr5-38528841-C-A. GRCh37 (hg19) VCF-style: chr5-38528943-C-A.
Other names: c.143-1G>T (NM_002310.6, NM_001364298.2, NM_001364297.2).
Identifiers: ClinVar variation 1465410 (VCV001465410.6), dbSNP rs2112564806, ClinGen allele CA359616117.

ClinVar aggregate classification (germline): Likely pathogenic (1 of 4 stars; one submission).

Allele frequency attached by ClinVar (database versions not stated): gnomAD exomes below 0.00001.
gnomAD v4.1: 2 of 1,459,432 alleles (0.00014%); highest among the groups gnomAD compares: Non-Finnish European, 0.00019%; no homozygotes.

Submission:

Labcorp Genetics (formerly Invitae), Labcorp
Classification: Likely pathogenic. Last evaluated: 2022-02-17. Review status: criteria provided, single submitter. Criteria: Invitae Variant Classification Sherloc (09022015). Collection method: clinical testing. Allele origin: germline.
Comment: This variant is not present in population databases (gnomAD no frequency). This sequence change affects an acceptor splice site in intron 2 of the LIFR gene. It is expected to disrupt RNA splicing. Variants that disrupt the donor or acceptor splice site typically lead to a loss of protein function (PMID: 16199547), and loss-of-function variants in LIFR are known to be pathogenic (PMID: 14740318). This variant has not been reported in the literature in individuals affected with LIFR-related conditions. Algorithms developed to predict the effect of sequence changes on RNA splicing suggest that this variant may disrupt the consensus splice site. In summary, the currently available evidence indicates that the variant is pathogenic, but additional data are needed to prove that conclusively. Therefore, this variant has been classified as Likely Pathogenic.

Literature cited by the submitters: PubMed 16199547; PubMed 14740318.